The following is an entry in ClinVar:

ClinVar aggregate classification (germline): Uncertain significance. Review status: criteria provided, multiple submitters, no conflicts (2 of 4 stars). 2 submissions from 2 submitters: Uncertain significance (2). Last evaluated 2025-02-12.

gnomAD v4.1: 7 of 1,611,390 alleles (0.00043%); highest among the groups gnomAD compares: African/African-American, 0.0013%; no homozygotes.

Submissions (2):

Ambry Genetics
Classification: Uncertain significance. Last evaluated: 2025-02-12. Review status: criteria provided, single submitter. Criteria: Ambry Variant Classification Scheme 2023. Collection method: clinical testing. Allele origin: germline.

Labcorp Genetics (formerly Invitae), Labcorp
Classification: Uncertain significance. Last evaluated: 2025-01-01. Review status: criteria provided, single submitter. Criteria: Invitae Variant Classification Sherloc (09022015). Collection method: clinical testing. Allele origin: germline.
Comment: This sequence change replaces alanine, which is neutral and non-polar, with threonine, which is neutral and polar, at codon 190 of the BICC1 protein (p.Ala190Thr). This variant is not present in population databases (gnomAD no frequency). This variant has not been reported in the literature in individuals affected with BICC1-related conditions. An algorithm developed to predict the effect of missense changes on protein structure and function (PolyPhen-2) suggests that this variant is likely to be tolerated. In summary, the available evidence is currently insufficient to determine the role of this variant in disease. Therefore, it has been classified as a Variant of Uncertain Significance.

NM_001080512.3(BICC1):c.568G>A (p.Ala190Thr)

Gene: BICC1 (BicC family RNA binding protein 1; plus strand). Cytogenetic location: 10q21.1.
Variant type: single nucleotide variant.
Coding change: c.568G>A on transcript NM_001080512.3 (MANE Select); coding-DNA position 568, G replaced by A.
Protein change: p.Ala190Thr; replaces alanine 190 with threonine.
Molecular consequence: missense variant.
Genome position (GRCh38, 1-based): chr10:58,788,391, G>A. VCF-style: chr10-58788391-G-A. GRCh37 (hg19) VCF-style: chr10-60548151-G-A.
Other names: c.568G>A (NM_001080512.1); short protein forms A190T.
Identifiers: ClinVar variation 3612209 (VCV003612209.3).
Genomic context (GRCh38, chr10:58,788,391, plus strand): 5'-TTAAAATAAATCTAACTTTGTATTTTCCTCCTCTTATAGGTATCTATAGCGGGACAACCA[G>A]CAGGAGTAGAATCTGCCCGAGTTAGAATTCGGGTAACTATTTATTACTTTAACATTGTAA-3'
Protein context (NP_001073981.1, residues 180-200): SNQVSIAGQP[Ala190Thr]GVESARVRIR